The following is an entry in ClinVar:

NM_025099.6(CTC1):c.2972A>G (p.Tyr991Cys)

Gene: CTC1 (CST telomere replication complex component 1; minus strand). Cytogenetic location: 17p13.1.
Variant type: single nucleotide variant.
Coding change: c.2972A>G on transcript NM_025099.6 (MANE Select); coding-DNA position 2972, A replaced by G.
Protein change: p.Tyr991Cys; replaces tyrosine 991 with cysteine.
Molecular consequence: missense variant. On other transcripts: non-coding transcript variant (1).
Genome position (GRCh38, 1-based): chr17:8,229,930, T>C on the plus strand (A>G on the coding strand, the complement: CTC1 is on the minus strand). VCF-style: chr17-8229930-T-C. GRCh37 (hg19) VCF-style: chr17-8133248-T-C.
Other names: short protein forms Y991C.
Identifiers: ClinVar variation 434848 (VCV000434848.13), dbSNP rs1471047572, ClinGen allele CA397973188.

ClinVar aggregate classification (germline): Uncertain significance. Review status: criteria provided, multiple submitters, no conflicts (2 of 4 stars). 2 submissions from 2 submitters: Uncertain significance (2). Last evaluated 2021-07-17.

Conditions:
Dyskeratosis congenita. Identifiers: Orphanet 1775, MedGen C0265965, MONDO:0015780.

Allele frequency attached by ClinVar (database versions not stated): gnomAD 0.00001; TOPMed 0.00001.
gnomAD v4.1: 1 of 1,613,848 alleles (0.000062%); highest among the groups gnomAD compares: Admixed American, 0.0017%; no homozygotes.

Submissions (2):

Labcorp Genetics (formerly Invitae), Labcorp
Classification: Uncertain significance for Dyskeratosis congenita. Last evaluated: 2021-07-17. Review status: criteria provided, single submitter. Criteria: Invitae Variant Classification Sherloc (09022015). Collection method: clinical testing. Allele origin: germline.
Comment: This sequence change replaces tyrosine with cysteine at codon 991 of the CTC1 protein (p.Tyr991Cys). The tyrosine residue is moderately conserved and there is a large physicochemical difference between tyrosine and cysteine. In summary, the available evidence is currently insufficient to determine the role of this variant in disease. Therefore, it has been classified as a Variant of Uncertain Significance. Algorithms developed to predict the effect of missense changes on protein structure and function output the following: SIFT: "Tolerated"; PolyPhen-2: "Benign"; Align-GVGD: "Class C0". The cysteine amino acid residue is found in multiple mammalian species, suggesting that this missense change does not adversely affect protein function. These predictions have not been confirmed by published functional studies and their clinical significance is uncertain. This variant has not been reported in the literature in individuals with CTC1-related conditions. ClinVar contains an entry for this variant (Variation ID: 434848). This variant is not present in population databases (ExAC no frequency).

Genetic Services Laboratory, University of Chicago
Classification: Uncertain significance. Last evaluated: 2016-04-06. Review status: criteria provided, single submitter. Criteria: ACMG Guidelines, 2015. Collection method: clinical testing. Allele origin: germline. Affected: no.